The following is an entry in ClinVar:

NM_003238.6(TGFB2):c.753A>G (p.Ala251=)

Gene: TGFB2 (transforming growth factor beta 2; plus strand). Cytogenetic location: 1q41.
Variant type: single nucleotide variant.
Coding change: c.753A>G on transcript NM_003238.6 (MANE Select); coding-DNA position 753, A replaced by G.
Protein change: p.Ala251=; no amino-acid change (alanine 251 retained).
Molecular consequence: synonymous variant. On other transcripts: non-coding transcript variant (2).
Genome position (GRCh38, 1-based): chr1:218,434,447, A>G. VCF-style: chr1-218434447-A-G. GRCh37 (hg19) VCF-style: chr1-218607789-A-G.
Other names: c.837A>G, p.Ala279= (NM_001135599.4).
Identifiers: ClinVar variation 4705745 (VCV004705745.1).

ClinVar aggregate classification (germline): Uncertain significance (1 of 4 stars; one submission).

Conditions:
Loeys-Dietz syndrome 4 (LDS4). Also called: ANEURYSM, AORTIC AND CEREBRAL, WITH ARTERIAL TORTUOSITY AND SKELETAL MANIFESTATIONS; TGFB2-Related Loeys-Dietz Syndrome. Identifiers: MedGen C3553762, MONDO:0013897, OMIM 614816.

Submission:

Labcorp Genetics (formerly Invitae), Labcorp
Classification: Uncertain significance for Loeys-Dietz syndrome 4. Last evaluated: 2025-07-13. Review status: criteria provided, single submitter. Criteria: Invitae Variant Classification Sherloc (09022015). Collection method: clinical testing. Allele origin: germline.
Comment: This sequence change affects codon 251 of the TGFB2 mRNA. It is a 'silent' change, meaning that it does not change the encoded amino acid sequence of the TGFB2 protein. It affects a nucleotide within the consensus splice site. This variant is not present in population databases (gnomAD no frequency). This variant has not been reported in the literature in individuals affected with TGFB2-related conditions. Algorithms developed to predict the effect of sequence changes on RNA splicing suggest that this variant may disrupt the consensus splice site. In summary, the available evidence is currently insufficient to determine the role of this variant in disease. Therefore, it has been classified as a Variant of Uncertain Significance.